The following is an entry in ClinVar:

NM_006031.6(PCNT):c.428_466dup (p.Arg143_Gln155dup)

Gene: PCNT (pericentrin; plus strand). Cytogenetic location: 21q22.3.
Variant type: Duplication.
Coding change: c.428_466dup on transcript NM_006031.6 (MANE Select); coding-DNA positions 428 to 466, 39 bases duplicated.
Protein change: p.Arg143_Gln155dup.
Molecular consequence: inframe insertion.
Genome position (GRCh38, 1-based): chr21:46,334,557-46,334,595, 39 bases duplicated; duplicating any 39 consecutive bases within chr21:46,334,536-46,334,595 gives the same sequence; the c. name uses the placement nearest the transcript's 3' end. GRCh37 (hg19): chr21:47,754,471-47,754,509.
Other names: c.74_112dup, p.Arg25_Gln37dup (NM_001315529.2); c.428_466dup (NM_006031.5); c.428_466dup39 (NM_006031.5).
Identifiers: ClinVar variation 1417293 (VCV001417293.8), dbSNP rs759009997, ClinGen allele CA638498986.

ClinVar aggregate classification (germline): Uncertain significance. Review status: criteria provided, multiple submitters, no conflicts (2 of 4 stars). 5 submissions from 5 submitters: Uncertain significance (4). 1 of the submissions does not count toward it. Last evaluated 2026-01-21.

Conditions:
Microcephalic osteodysplastic primordial dwarfism type II (MOPD2). Also called: MOPD II; OSTEODYSPLASTIC PRIMORDIAL DWARFISM, TYPE II; Microcephalic osteodysplastic primordial dwarfism with tooth abnormalities. Identifiers: Orphanet 2637, MedGen C0432246, MONDO:0008872, OMIM 210720.
PCNT-related disorder. Also called: PCNT-related condition.

Submissions (5):

Labcorp Genetics (formerly Invitae), Labcorp
Classification: Uncertain significance. Last evaluated: 2026-01-21. Review status: criteria provided, single submitter. Criteria: Invitae Variant Classification Sherloc (09022015). Collection method: clinical testing. Allele origin: germline.
Comment: This variant, c.428_466dup, results in the insertion of 13 amino acid(s) of the PCNT protein (p.Arg143_Gln155dup), but otherwise preserves the integrity of the reading frame. This variant is present in population databases (no rsID available, gnomAD 0.02%). This variant has not been reported in the literature in individuals affected with PCNT-related conditions. ClinVar contains an entry for this variant (Variation ID: 1417293). Experimental studies and prediction algorithms are not available or were not evaluated, and the functional significance of this variant is currently unknown. In summary, the available evidence is currently insufficient to determine the role of this variant in disease. Therefore, it has been classified as a Variant of Uncertain Significance.

GeneDx
Classification: Uncertain significance. Last evaluated: 2024-02-22. Review status: criteria provided, single submitter. Criteria: GeneDx Variant Classification Process June 2021. Collection method: clinical testing. Allele origin: germline. Affected: yes.
Comment: Not observed at significant frequency in large population cohorts (gnomAD); In-frame insertion of 13 amino acids in a non-repeat region; Has not been previously published as pathogenic or benign to our knowledge

ARUP Laboratories, Molecular Genetics and Genomics, ARUP Laboratories
Classification: Uncertain significance for Microcephalic osteodysplastic primordial dwarfism type II. Last evaluated: 2023-11-22. Review status: criteria provided, single submitter. Criteria: ARUP Molecular Germline Variant Investigation Process 2024. Collection method: clinical testing. Allele origin: germline.
Comment: The PCNT c.428_466dup; p.Arg143_Gln155dup variant (rs759009997), to our knowledge, is not reported in the medical literature but is reported in ClinVar (Variation ID: 1417293). This variant is found in the general population with an overall allele frequency of 0.006% (15/241,924 alleles) in the Genome Aggregation Database. This variant duplicates 13 amino acids in a repeat region leaving the rest of the protein in-frame. Due to limited information, the clinical significance of this variant is uncertain at this time.

Neuberg Centre For Genomic Medicine, NCGM
Classification: Uncertain significance for Microcephalic osteodysplastic primordial dwarfism type II. Review status: criteria provided, single submitter. Criteria: ACMG Guidelines, 2015. Collection method: clinical testing. Allele origin: germline. Inheritance: Autosomal recessive inheritance. Affected: yes.
Comment: The inframe insertion variant c.428_466dup (p.Arg143_Gln155dup) in PCNT gene has not been reported previously as a pathogenic variant nor as a benign variant, to our knowledge. The p.Arg143_Gln155dup variant is novel (not in any individuals) in 1000 Genomes and allele frequency of 0.006200% is reported in gnomAD. This p.Arg143_Gln155dup causes duplication of amino acid Arginine at postion 143 and duplication of amino acid Glutamine at postion 155. For these reasons, this variant has been classified as Uncertain Significance.

PreventionGenetics, part of Exact Sciences
Classification: Uncertain significance for PCNT-related condition. Last evaluated: 2024-06-10. Review status: no assertion criteria provided. Collection method: clinical testing. Allele origin: germline. Not counted in ClinVar's aggregate classification.
Comment: The PCNT c.428_466dup39 variant is predicted to result in an in-frame duplication (p.Arg143_Gln155dup). To our knowledge, this variant has not been reported in the literature. This variant is reported in 0.021% of alleles in individuals of Latino descent in gnomAD. At this time, the clinical significance of this variant is uncertain due to the absence of conclusive functional and genetic evidence.